The following is an entry in ClinVar:

NM_006767.4(LZTR1):c.1486_1487delinsTA (p.Ala496Tyr)

Gene: LZTR1 (leucine zipper like post translational regulator 1; plus strand). Cytogenetic location: 22q11.21.
Variant type: Indel.
Coding change: c.1486_1487delinsTA on transcript NM_006767.4 (MANE Select); coding-DNA positions 1486 to 1487, GC replaced by TA.
Protein change: p.Ala496Tyr; replaces alanine 496 with tyrosine.
Molecular consequence: missense variant.
Genome position (GRCh38, 1-based): chr22:20,994,140-20,994,141, GC replaced by TA. VCF-style: chr22-20994140-GC-TA. GRCh37 (hg19) VCF-style: chr22-21348429-GC-TA.
Other names: c.1486_1487delinsTA (NM_006767.3); short protein forms A496Y.
Identifiers: ClinVar variation 1427466 (VCV001427466.13), dbSNP rs2147967267, ClinGen allele CA2573157823.

ClinVar aggregate classification (germline): Uncertain significance. Review status: criteria provided, multiple submitters, no conflicts (2 of 4 stars). 4 submissions from 4 submitters: Uncertain significance (4). Last evaluated 2026-02-03.

Conditions:
Hereditary cancer-predisposing syndrome. Also called: Neoplastic Syndromes, Hereditary; Hereditary Cancer Syndrome; Tumor predisposition; Hereditary neoplastic syndrome. Identifiers: Orphanet 140162, MedGen C0027672, MeSH D009386, MONDO:0015356.
Cardiovascular phenotype. Identifiers: MedGen CN230736.
LZTR1-related schwannomatosis. Also called: Schwannomatosis 2; Schwannomatosis-2, susceptibility to. Identifiers: Orphanet 93921, MedGen C3810283, MONDO:0014299, OMIM 615670.

Submissions (4):

GeneDx
Classification: Uncertain significance. Last evaluated: 2026-02-03. Review status: criteria provided, single submitter. Criteria: GeneDx Variant Classification Process June 2021. Collection method: clinical testing. Allele origin: germline.
Comment: In silico analysis supports a deleterious effect on protein structure/function; This variant is associated with the following publications: (PMID: 35352813)

Labcorp Genetics (formerly Invitae), Labcorp
Classification: Uncertain significance. Last evaluated: 2026-01-18. Review status: criteria provided, single submitter. Criteria: Invitae Variant Classification Sherloc (09022015). Collection method: clinical testing. Allele origin: germline.
Comment: This sequence change replaces alanine, which is neutral and non-polar, with tyrosine, which is neutral and polar, at codon 496 of the LZTR1 protein (p.Ala496Tyr). This variant is present in population databases (no rsID available, gnomAD 0.002%). This variant has not been reported in the literature in individuals affected with LZTR1-related conditions. ClinVar contains an entry for this variant (Variation ID: 1427466). An algorithm developed to predict the effect of missense changes on protein structure and function (PolyPhen-2) suggests that this variant is likely to be disruptive. In summary, the available evidence is currently insufficient to determine the role of this variant in disease. Therefore, it has been classified as a Variant of Uncertain Significance.

Ambry Genetics
Classification: Uncertain significance for Cardiovascular phenotype; Hereditary cancer-predisposing syndrome. Last evaluated: 2025-02-27. Review status: criteria provided, single submitter. Criteria: Ambry Variant Classification Scheme 2023. Collection method: clinical testing. Allele origin: germline.
Comment: The c.1486_1487delGCinsTA variant (also known as p.A496Y), located in coding exon 14 of the LZTR1 gene, results from an in-frame deletion of GC and insertion of TA at nucleotide positions 1486 to 1487. This results in the substitution of the alanine residue for a tyrosine residue at codon 496, an amino acid with dissimilar properties. This amino acid position is not well conserved in available vertebrate species. In addition, this alteration is predicted to be neutral by in silico analysis (Choi Y et al. PLoS ONE. 2012; 7(10):e46688). Based on the available evidence, the clinical significance of this variant remains unclear.

Baylor Genetics
Classification: Uncertain significance for LZTR1-related schwannomatosis. Last evaluated: 2023-06-23. Review status: criteria provided, single submitter. Criteria: ACMG Guidelines, 2015. Collection method: clinical testing. Allele origin: unknown.